The following is an entry in ClinVar:

NM_018192.4(P3H2):c.29T>C (p.Leu10Pro)

Genes: P3H2 (prolyl 3-hydroxylase 2; minus strand), LOC123464484 (Sharpr-MPRA regulatory region 10063; plus strand). Cytogenetic location: 3q28.
Variant type: single nucleotide variant.
Coding change: c.29T>C on transcript NM_018192.4 (MANE Select); coding-DNA position 29, T replaced by C.
Protein change: p.Leu10Pro; replaces leucine 10 with proline.
Molecular consequence: missense variant. On other transcripts: intron variant (1).
Genome position (GRCh38, 1-based): chr3:190,120,703, A>G on the plus strand (T>C on the coding strand, the complement: P3H2 is on the minus strand). VCF-style: chr3-190120703-A-G. GRCh37 (hg19) VCF-style: chr3-189838492-A-G.
Other names: c.-64+1500T>C (NM_001134418.2); short protein forms L10P.
Identifiers: ClinVar variation 842481 (VCV000842481.6), dbSNP rs774895793, ClinGen allele CA2753455.
Genomic context (GRCh38, chr3:190,120,703, plus strand): 5'-GGGCTGTCCGGGGGGCCGCCCCACAGTGGCGGCGGCAGTAGCAGCGGCAGCAGCAGCAGC[A>G]GCGGCGGCGCCCAGATGCGCTCCCGCATCCTCCGCCTCAGAGAGGCGCGGGACGGTTACG-3'
Protein context (NP_060662.2, residues 1-20): MRERIWAPP[Leu10Pro]LLLLPLLLPP

ClinVar aggregate classification (germline): Conflicting classifications of pathogenicity. Review status: criteria provided, conflicting classifications (1 of 4 stars). 3 submissions from 3 submitters: Uncertain significance (2); Likely benign (1). Last evaluated 2024-10-07.

Allele frequency attached by ClinVar (database versions not stated): ExAC 0.00010; 1000 Genomes Project 30x 0.00016; gnomAD exomes 0.00018 and 0.00026; gnomAD 0.00026 and 0.00028; TOPMed 0.00036.
gnomAD v4.1: 274 of 1,517,780 alleles (0.018%); highest among the groups gnomAD compares: East Asian, 0.049%; no homozygotes.

Submissions (3):

Blueprint Genetics
Classification: Likely benign. Last evaluated: 2024-10-07. Review status: criteria provided, single submitter. Criteria: ACMG Guidelines, 2015. Collection method: clinical testing. Allele origin: germline.

Labcorp Genetics (formerly Invitae), Labcorp
Classification: Uncertain significance. Last evaluated: 2022-08-31. Review status: criteria provided, single submitter. Criteria: Invitae Variant Classification Sherloc (09022015). Collection method: clinical testing. Allele origin: germline.
Comment: This sequence change replaces leucine, which is neutral and non-polar, with proline, which is neutral and non-polar, at codon 10 of the P3H2 protein (p.Leu10Pro). The frequency data for this variant in the population databases is considered unreliable, as metrics indicate poor data quality at this position in the gnomAD database. This variant has not been reported in the literature in individuals affected with P3H2-related conditions. ClinVar contains an entry for this variant (Variation ID: 842481). Algorithms developed to predict the effect of missense changes on protein structure and function output the following: SIFT: "Tolerated"; PolyPhen-2: "Benign"; Align-GVGD: "Class C0". The proline amino acid residue is found in multiple mammalian species, which suggests that this missense change does not adversely affect protein function. In summary, the available evidence is currently insufficient to determine the role of this variant in disease. Therefore, it has been classified as a Variant of Uncertain Significance.

Breakthrough Genomics
Classification: Uncertain significance. Review status: criteria provided, single submitter. Criteria: ACMG Guidelines, 2015. Collection method: not provided. Allele origin: germline. Inheritance: Autosomal recessive inheritance. Affected: yes.